The following is an entry in ClinVar:

ClinVar aggregate classification (germline): Conflicting classifications of pathogenicity. Review status: criteria provided, conflicting classifications (1 of 4 stars). 5 submissions from 5 submitters: Uncertain significance (2); Likely benign (2). 1 of the submissions does not count toward it. Last evaluated 2025-12-16.

Conditions:
ASPM-related disorder. Also called: ASPM-related condition.
Microcephaly 5, primary, autosomal recessive (MCPH5). Also called: ASPM Primary Microcephaly. Identifiers: Orphanet 2512, MedGen C1837501, MONDO:0012106, OMIM 608716.

Allele frequency attached by ClinVar (database versions not stated): gnomAD 0.00153 and 0.00140; gnomAD exomes 0.00013 and 0.00035; ExAC 0.00040; 1000 Genomes Project 30x 0.00125; 1000 Genomes Project 0.00140; TOPMed 0.00161; ESP Exome Variant Server 0.00177.
gnomAD v4.1: 403 of 1,612,426 alleles (0.025%); highest among the groups gnomAD compares: African/African-American, 0.46%; 2 homozygotes.

Submissions (5):

Labcorp Genetics (formerly Invitae), Labcorp
Classification: Likely benign. Last evaluated: 2025-12-16. Review status: criteria provided, single submitter. Criteria: Invitae Variant Classification Sherloc (09022015). Collection method: clinical testing. Allele origin: germline.

GeneDx
Classification: Likely benign. Last evaluated: 2019-03-13. Review status: criteria provided, single submitter. Criteria: GeneDx Variant Classification Process June 2021. Collection method: clinical testing. Allele origin: germline. Affected: yes.

Eurofins Ntd Llc (ga)
Classification: Uncertain significance. Last evaluated: 2016-09-15. Review status: criteria provided, single submitter. Criteria: EGL Classification Definitions 2015. Collection method: clinical testing. Allele origin: germline. Observed: 1 variant allele, 1 heterozygote.

Genetic Services Laboratory, University of Chicago
Classification: Uncertain significance for Microcephaly 5, primary, autosomal recessive. Last evaluated: 2014-05-20. Review status: criteria provided, single submitter. Criteria: ACMG Guidelines, 2015. Collection method: clinical testing. Allele origin: germline. Inheritance: Autosomal recessive inheritance.

PreventionGenetics, part of Exact Sciences
Classification: Likely benign for ASPM-related condition. Last evaluated: 2020-10-12. Review status: no assertion criteria provided. Collection method: clinical testing. Allele origin: germline. Not counted in ClinVar's aggregate classification.
Comment: This variant is classified as likely benign based on ACMG/AMP sequence variant interpretation guidelines (Richards et al. 2015 PMID: 25741868, with internal and published modifications).

NM_018136.5(ASPM):c.4733G>A (p.Arg1578Gln)

Gene: ASPM (assembly factor for spindle microtubules; minus strand). Cytogenetic location: 1q31.3.
Variant type: single nucleotide variant.
Coding change: c.4733G>A on transcript NM_018136.5 (MANE Select); coding-DNA position 4733, G replaced by A.
Protein change: p.Arg1578Gln; replaces arginine 1578 with glutamine.
Molecular consequence: missense variant. On other transcripts: intron variant (1).
Genome position (GRCh38, 1-based): chr1:197,104,518, C>T on the plus strand (G>A on the coding strand, the complement: ASPM is on the minus strand). VCF-style: chr1-197104518-C-T. GRCh37 (hg19) VCF-style: chr1-197073648-C-T.
Other names: c.4066-8354G>A (NM_001206846.2); short protein forms R1578Q.
Identifiers: ClinVar variation 157825 (VCV000157825.22), dbSNP rs143822761, ClinGen allele CA271047.
Genomic context (GRCh38, chr1:197,104,518, plus strand): 5'-TGTTGATGTTTTCTTACATGTGCCTGAAATTTGATAATAGTCTTCTTAAGGTTTAAAAAT[C>T]GAACTCTGTCTTGTCTCATTCTCCAGTATGACTGAATAACACAAGCAGCTCTAATTTGTC-3'
Protein context (NP_060606.3, residues 1568-1588): SYWRMRQDRV[Arg1578Gln]FLNLKKTIIK